The following is an entry in ClinVar:

ClinVar aggregate classification (germline): Uncertain significance (1 of 4 stars; one submission).

Submission:

Ambry Genetics
Classification: Uncertain significance. Last evaluated: 2021-06-28. Review status: criteria provided, single submitter. Criteria: Ambry Variant Classification Scheme 2023. Collection method: clinical testing. Allele origin: germline.
Comment: The p.E4030G variant (also known as c.12089A>G), located in coding exon 85 of the PRKDC gene, results from an A to G substitution at nucleotide position 12089. The glutamic acid at codon 4030 is replaced by glycine, an amino acid with similar properties. This amino acid position is conserved. Since supporting evidence is limited at this time, the clinical significance of this alteration remains unclear.

NM_006904.7(PRKDC):c.12089A>G (p.Glu4030Gly)

Gene: PRKDC (protein kinase, DNA-activated, catalytic subunit; minus strand). Cytogenetic location: 8q11.21.
Variant type: single nucleotide variant.
Coding change: c.12089A>G on transcript NM_006904.7 (MANE Select); coding-DNA position 12089, A replaced by G.
Protein change: p.Glu4030Gly; replaces glutamic acid 4030 with glycine.
Molecular consequence: missense variant.
Genome position (GRCh38, 1-based): chr8:47,776,937, T>C on the plus strand (A>G on the coding strand, the complement: PRKDC is on the minus strand). VCF-style: chr8-47776937-T-C. GRCh37 (hg19) VCF-style: chr8-48689498-T-C.
Other names: c.11996A>G, p.Glu3999Gly (NM_001081640.2); short protein forms E3999G, E4030G.
Identifiers: ClinVar variation 1749186 (VCV001749186.2), dbSNP rs2551859525, ClinGen allele CA371127162.